The following is an entry in ClinVar:

NM_000154.2(GALK1):c.355+4T>G

Gene: GALK1 (galactokinase 1; minus strand). Cytogenetic location: 17q25.1.
Variant type: single nucleotide variant.
Coding change: c.355+4T>G on transcript NM_000154.2 (MANE Select); 4 bases into the intron after coding-DNA position 355, T replaced by G.
Molecular consequence: intron variant.
Genome position (GRCh38, 1-based): chr17:75,763,893, A>C on the plus strand (T>G on the coding strand, the complement: GALK1 is on the minus strand). VCF-style: chr17-75763893-A-C. GRCh37 (hg19) VCF-style: chr17-73759974-A-C.
Other names: c.355+4T>G (NM_001381985.1).
Identifiers: ClinVar variation 3050536 (VCV003050536.2), dbSNP rs2545904178, ClinGen allele CA2576392212.

ClinVar aggregate classification (germline): Likely benign (0 of 4 stars; one submission).

Conditions:
GALK1-related disorder. Also called: GALK1-related condition.

Submission:

PreventionGenetics, part of Exact Sciences
Classification: Likely benign for GALK1-related condition. Last evaluated: 2019-07-11. Review status: no assertion criteria provided. Collection method: clinical testing. Allele origin: germline.
Comment: This variant is classified as likely benign based on ACMG/AMP sequence variant interpretation guidelines (Richards et al. 2015 PMID: 25741868, with internal and published modifications).